The following is an entry in ClinVar:

ClinVar aggregate classification (germline): Uncertain significance (1 of 4 stars; one submission).

Conditions:
Severe combined immunodeficiency due to DCLRE1C deficiency (RS-SCID). Also called: SCID, AUTOSOMAL RECESSIVE, T CELL-NEGATIVE, B CELL-NEGATIVE, NK CELL-POSITIVE, WITH SENSITIVITY TO IONIZING RADIATION. Identifiers: Orphanet 275, MedGen C1865371, MONDO:0011225, OMIM 602450.

Submission:

Labcorp Genetics (formerly Invitae), Labcorp
Classification: Uncertain significance for Athabaskan severe combined immunodeficiency. Last evaluated: 2024-02-24. Review status: criteria provided, single submitter. Criteria: Invitae Variant Classification Sherloc (09022015). Collection method: clinical testing. Allele origin: germline.
Comment: This sequence change replaces leucine, which is neutral and non-polar, with methionine, which is neutral and non-polar, at codon 636 of the DCLRE1C protein (p.Leu636Met). This variant is not present in population databases (gnomAD no frequency). This variant has not been reported in the literature in individuals affected with DCLRE1C-related conditions. ClinVar contains an entry for this variant (Variation ID: 1955372). Algorithms developed to predict the effect of missense changes on protein structure and function output the following: SIFT: "Not Available"; PolyPhen-2: "Benign"; Align-GVGD: "Not Available". The methionine amino acid residue is found in multiple mammalian species, which suggests that this missense change does not adversely affect protein function. In summary, the available evidence is currently insufficient to determine the role of this variant in disease. Therefore, it has been classified as a Variant of Uncertain Significance.

NM_001033855.3(DCLRE1C):c.1906T>A (p.Leu636Met)

Gene: DCLRE1C (DNA cross-link repair 1C; minus strand). Cytogenetic location: 10p13.
Variant type: single nucleotide variant.
Coding change: c.1906T>A on transcript NM_001033855.3 (MANE Select); coding-DNA position 1906, T replaced by A.
Protein change: p.Leu636Met; replaces leucine 636 with methionine.
Molecular consequence: missense variant. On other transcripts: non-coding transcript variant (3), intron variant (3).
Genome position (GRCh38, 1-based): chr10:14,908,581, A>T on the plus strand (T>A on the coding strand, the complement: DCLRE1C is on the minus strand). VCF-style: chr10-14908581-A-T. GRCh37 (hg19) VCF-style: chr10-14950580-A-T.
Other names: c.1546T>A, p.Leu516Met (NM_001033857.3, NM_001033858.3, NM_001289077.2 and 1 more transcripts); c.1561T>A, p.Leu521Met (NM_001289076.2, NM_001289078.2, NM_022487.4); c.1437+124T>A (NM_001350966.2); c.1782+124T>A (NM_001350965.2); c.1422+124T>A (NM_001350967.2); short protein forms L516M, L636M, L521M.
Identifiers: ClinVar variation 1955372 (VCV001955372.4), dbSNP rs933422037, ClinGen allele CA376074307.